The following is an entry in ClinVar:

NM_002700.3(POU4F3):c.622G>C (p.Val208Leu)

Genes: POU4F3 (POU class 4 homeobox 3; plus strand), RBM27-POU4F3 (RBM27-POU4F3 readthrough; plus strand). Cytogenetic location: 5q32.
Variant type: single nucleotide variant.
Coding change: c.622G>C on transcript NM_002700.3 (MANE Select); coding-DNA position 622, G replaced by C.
Protein change: p.Val208Leu; replaces valine 208 with leucine.
Molecular consequence: missense variant. On other transcripts: 3 prime UTR variant (1).
Genome position (GRCh38, 1-based): chr5:146,340,049, G>C. VCF-style: chr5-146340049-G-C. GRCh37 (hg19) VCF-style: chr5-145719612-G-C.
Other names: c.*491G>C (NM_001414499.1); short protein forms V208L.
Identifiers: ClinVar variation 2578175 (VCV002578175.1), dbSNP rs1265095366, ClinGen allele CA361621554.

ClinVar aggregate classification (germline): Uncertain significance (1 of 4 stars; one submission).

Submission:

GeneDx
Classification: Uncertain significance. Last evaluated: 2023-02-28. Review status: criteria provided, single submitter. Criteria: GeneDx Variant Classification Process June 2021. Collection method: clinical testing. Allele origin: germline. Affected: yes.
Comment: Not observed at significant frequency in large population cohorts (gnomAD); In silico analysis supports that this missense variant has a deleterious effect on protein structure/function; Has not been previously published as pathogenic or benign to our knowledge